The following is an entry in ClinVar:

ClinVar aggregate classification (germline): Uncertain significance (1 of 4 stars; one submission).

Conditions:
Long QT syndrome (LQTS). Identifiers: MedGen C0023976, MeSH D008133, MONDO:0002442. Disease mechanism: loss of function. Inheritance: Various modes of inheritance.

Allele frequency attached by ClinVar (database versions not stated): gnomAD exomes below 0.00001.

Submission:

Labcorp Genetics (formerly Invitae), Labcorp
Classification: Uncertain significance for Long QT syndrome. Last evaluated: 2021-03-10. Review status: criteria provided, single submitter. Criteria: Invitae Variant Classification Sherloc (09022015). Collection method: clinical testing. Allele origin: germline.
Comment: This variant is not present in population databases (ExAC no frequency). This sequence change replaces glutamic acid with lysine at codon 807 of the KCNH2 protein (p.Glu807Lys). The glutamic acid residue is highly conserved and there is a small physicochemical difference between glutamic acid and lysine. This variant has not been reported in the literature in individuals with KCNH2-related conditions. Experimental studies have shown that this variant affects KCNH2 protein function (PMID: 11278781). In summary, the available evidence is currently insufficient to determine the role of this variant in disease. Therefore, it has been classified as a Variant of Uncertain Significance.

Literature cited by the submitters: PubMed 11278781.

NM_000238.4(KCNH2):c.2419G>A (p.Glu807Lys)

Gene: KCNH2 (potassium voltage-gated channel subfamily H member 2; minus strand). Cytogenetic location: 7q36.1.
Variant type: single nucleotide variant.
Coding change: c.2419G>A on transcript NM_000238.4 (MANE Select); coding-DNA position 2419, G replaced by A.
Protein change: p.Glu807Lys; replaces glutamic acid 807 with lysine.
Molecular consequence: missense variant.
Genome position (GRCh38, 1-based): chr7:150,949,029, C>T on the plus strand (G>A on the coding strand, the complement: KCNH2 is on the minus strand). VCF-style: chr7-150949029-C-T. GRCh37 (hg19) VCF-style: chr7-150646117-C-T.
Other names: c.1399G>A, p.Glu467Lys (NM_172057.3); short protein forms E467K, E807K.
Identifiers: ClinVar variation 1515629 (VCV001515629.8), dbSNP rs2116941364, ClinGen allele CA369855363.